The following is an entry in ClinVar:

ClinVar aggregate classification (germline): Uncertain significance (1 of 4 stars; one submission).

Submission:

Labcorp Genetics (formerly Invitae), Labcorp
Classification: Uncertain significance. Last evaluated: 2021-03-31. Review status: criteria provided, single submitter. Criteria: Invitae Variant Classification Sherloc (09022015). Collection method: clinical testing. Allele origin: germline.
Comment: This sequence change replaces glutamine with glutamic acid at codon 277 of the USH2A protein (p.Gln277Glu). The glutamine residue is moderately conserved and there is a small physicochemical difference between glutamine and glutamic acid. This variant is not present in population databases (ExAC no frequency). In summary, the available evidence is currently insufficient to determine the role of this variant in disease. Therefore, it has been classified as a Variant of Uncertain Significance. Algorithms developed to predict the effect of missense changes on protein structure and function output the following: SIFT: "Tolerated"; PolyPhen-2: "Benign"; Align-GVGD: "Class C0". The glutamic acid amino acid residue is found in multiple mammalian species, suggesting that this missense change does not adversely affect protein function. These predictions have not been confirmed by published functional studies and their clinical significance is uncertain. This variant has not been reported in the literature in individuals with USH2A-related conditions.

NM_206933.4(USH2A):c.829C>G (p.Gln277Glu)

Gene: USH2A (usherin; minus strand). Cytogenetic location: 1q41.
Variant type: single nucleotide variant.
Coding change: c.829C>G on transcript NM_206933.4 (MANE Select); coding-DNA position 829, C replaced by G.
Protein change: p.Gln277Glu; replaces glutamine 277 with glutamic acid.
Molecular consequence: missense variant.
Genome position (GRCh38, 1-based): chr1:216,327,610, G>C on the plus strand (C>G on the coding strand, the complement: USH2A is on the minus strand). VCF-style: chr1-216327610-G-C. GRCh37 (hg19) VCF-style: chr1-216500952-G-C.
Other names: c.829C>G, p.Gln277Glu (NM_007123.6); short protein forms Q277E.
Identifiers: ClinVar variation 1418278 (VCV001418278.8), dbSNP rs2102658805, ClinGen allele CA344912837.